The following is an entry in ClinVar:

NM_152703.5(SAMD9L):c.4424T>A (p.Leu1475His)

Gene: SAMD9L (sterile alpha motif domain containing 9 like; minus strand). Cytogenetic location: 7q21.2.
Variant type: single nucleotide variant.
Coding change: c.4424T>A on transcript NM_152703.5 (MANE Select); coding-DNA position 4424, T replaced by A.
Protein change: p.Leu1475His; replaces leucine 1475 with histidine.
Molecular consequence: missense variant.
Genome position (GRCh38, 1-based): chr7:93,131,548, A>T on the plus strand (T>A on the coding strand, the complement: SAMD9L is on the minus strand). VCF-style: chr7-93131548-A-T. GRCh37 (hg19) VCF-style: chr7-92760861-A-T.
Other names: c.4424T>A, p.Leu1475His (NM_001303496.3, NM_001303497.3, NM_001303498.3 and 5 more transcripts); short protein forms L1475H.
Identifiers: ClinVar variation 3700883 (VCV003700883.2).

ClinVar aggregate classification (germline): Uncertain significance (1 of 4 stars; one submission).

gnomAD v4.1: 1 of 1,613,982 alleles (0.000062%); highest among the groups gnomAD compares: Non-Finnish European, 0.000085%; no homozygotes.

Submission:

Labcorp Genetics (formerly Invitae), Labcorp
Classification: Uncertain significance. Last evaluated: 2024-10-03. Review status: criteria provided, single submitter. Criteria: Invitae Variant Classification Sherloc (09022015). Collection method: clinical testing. Allele origin: germline.
Comment: This sequence change replaces leucine, which is neutral and non-polar, with histidine, which is basic and polar, at codon 1475 of the SAMD9L protein (p.Leu1475His). This variant is present in population databases (no rsID available, gnomAD 0.0009%). This variant has not been reported in the literature in individuals affected with SAMD9L-related conditions. Invitae Evidence Modeling of protein sequence and biophysical properties (such as structural, functional, and spatial information, amino acid conservation, physicochemical variation, residue mobility, and thermodynamic stability) indicates that this missense variant is not expected to disrupt SAMD9L protein function with a negative predictive value of 80%. In summary, the available evidence is currently insufficient to determine the role of this variant in disease. Therefore, it has been classified as a Variant of Uncertain Significance.